The following is an entry in ClinVar:

NM_018127.7(ELAC2):c.257A>G (p.Asn86Ser)

Gene: ELAC2 (elaC ribonuclease Z 2; minus strand). Cytogenetic location: 17p12.
Variant type: single nucleotide variant.
Coding change: c.257A>G on transcript NM_018127.7 (MANE Select); coding-DNA position 257, A replaced by G.
Protein change: p.Asn86Ser; replaces asparagine 86 with serine.
Molecular consequence: missense variant.
Genome position (GRCh38, 1-based): chr17:13,017,110, T>C on the plus strand (A>G on the coding strand, the complement: ELAC2 is on the minus strand). VCF-style: chr17-13017110-T-C. GRCh37 (hg19) VCF-style: chr17-12920427-T-C.
Other names: c.257A>G (NM_018127.6); c.257A>G, p.Asn86Ser (NM_001165962.2, NM_173717.2); short protein forms N86S.
Identifiers: ClinVar variation 2197008 (VCV002197008.2), dbSNP rs778192675, ClinGen allele CA8401763.
Genomic context (GRCh38, chr17:13,017,110, plus strand): 5'-GAAAGCAAGAGACTGACTCACTTGTGCTCCTGCATGAGTCTCTGAACGCCTTCTCCACAG[T>C]TGAAGAGATACCTACAAGACAAACATTACACAAGACATTCAGAAGGTTTTATTCTGTAAA-3'
Protein context (NP_060597.4, residues 76-96): VFSEFNRYLF[Asn86Ser]CGEGVQRLMQ

ClinVar aggregate classification (germline): Uncertain significance. Review status: criteria provided, multiple submitters, no conflicts (2 of 4 stars). 2 submissions from 2 submitters: Uncertain significance (2). Last evaluated 2026-02-09.

Conditions:
Combined oxidative phosphorylation defect type 17. Also called: Combined oxidative phosphorylation deficiency 17. Identifiers: Orphanet 369913, MedGen C3809526, MONDO:0014190, OMIM 615440.

Allele frequency attached by ClinVar (database versions not stated): gnomAD exomes 0.00001.
gnomAD v4.1: 15 of 1,613,786 alleles (0.00093%); highest among the groups gnomAD compares: South Asian, 0.0022%; no homozygotes.

Submissions (2):

GeneDx
Classification: Uncertain significance. Last evaluated: 2026-02-09. Review status: criteria provided, single submitter. Criteria: GeneDx Variant Classification Process June 2021. Collection method: clinical testing. Allele origin: germline.
Comment: Not observed at significant frequency in large population cohorts (gnomAD); In silico analysis supports that this missense variant has a deleterious effect on protein structure/function; Has not been previously published as pathogenic or benign to our knowledge

Labcorp Genetics (formerly Invitae), Labcorp
Classification: Uncertain significance for Combined oxidative phosphorylation defect type 17. Last evaluated: 2021-12-17. Review status: criteria provided, single submitter. Criteria: Invitae Variant Classification Sherloc (09022015). Collection method: clinical testing. Allele origin: germline.
Comment: This sequence change replaces asparagine, which is neutral and polar, with serine, which is neutral and polar, at codon 86 of the ELAC2 protein (p.Asn86Ser). This variant is present in population databases (rs778192675, gnomAD 0.006%). This variant has not been reported in the literature in individuals affected with ELAC2-related conditions. Algorithms developed to predict the effect of missense changes on protein structure and function are either unavailable or do not agree on the potential impact of this missense change (SIFT: "Tolerated"; PolyPhen-2: "Probably Damaging"; Align-GVGD: "Class C0"). Algorithms developed to predict the effect of sequence changes on RNA splicing suggest that this variant may create or strengthen a splice site. In summary, the available evidence is currently insufficient to determine the role of this variant in disease. Therefore, it has been classified as a Variant of Uncertain Significance.